The following is an entry in ClinVar:

ClinVar aggregate classification (germline): Uncertain significance (1 of 4 stars; one submission).

Conditions:
DICER1-related tumor predisposition. Also called: DICER1-related pleuropulmonary blastoma cancer predisposition syndrome; DICER1 syndrome. Identifiers: Orphanet 284343, MedGen C3839822, MONDO:0100216.

Submission:

Labcorp Genetics (formerly Invitae), Labcorp
Classification: Uncertain significance for DICER1-related tumor predisposition. Last evaluated: 2025-06-23. Review status: criteria provided, single submitter. Criteria: Invitae Variant Classification Sherloc (09022015). Collection method: clinical testing. Allele origin: germline.
Comment: This sequence change falls in intron 22 of the DICER1 gene. It does not directly change the encoded amino acid sequence of the DICER1 protein. This variant is not present in population databases (gnomAD no frequency). This variant has not been reported in the literature in individuals affected with DICER1-related conditions. Experimental studies and prediction algorithms are not available or were not evaluated, and the effect of this variant on mRNA splicing is currently unknown. In summary, the available evidence is currently insufficient to determine the role of this variant in disease. Therefore, it has been classified as a Variant of Uncertain Significance.

NM_177438.3(DICER1):c.4206+8_4206+9insTTTGTGTGTGTGTGTGTGTGTG

Gene: DICER1 (dicer 1, ribonuclease III; minus strand). Cytogenetic location: 14q32.13.
Variant type: Microsatellite.
Coding change: c.4206+8_4206+9insTTTGTGTGTGTGTGTGTGTGTG on transcript NM_177438.3 (MANE Select); bases 8 to 9 of the intron after coding-DNA position 4206, TTTGTGTGTGTGTGTGTGTGTG inserted.
Molecular consequence: intron variant.
Genome position: GRCh38 VCF-style: chr14-95099771-C-CACACACACACACACACACACAA. GRCh37 (hg19) VCF-style: chr14-95566108-C-CACACACACACACACACACACAA.
Other names: c.4206+8_4206+9insTTTGTGTGTGTGTGTGTGTGTG (NM_001291628.2, NM_030621.4, NM_001395677.1 and 12 more transcripts); c.3801+8_3801+9insTTTGTGTGTGTGTGTGTGTGTG (NM_001395690.1, NM_001395687.1, NM_001395689.1 and 2 more transcripts); c.3924+8_3924+9insTTTGTGTGTGTGTGTGTGTGTG (NM_001395686.1); c.3639+8_3639+9insTTTGTGTGTGTGTGTGTGTGTG (NM_001395691.1); c.2523+8_2523+9insTTTGTGTGTGTGTGTGTGTGTG (NM_001395697.1).
Identifiers: ClinVar variation 4744277 (VCV004744277.1).
Genomic context (GRCh38, chr14:95,099,771, plus strand): 5'-GAAAAGTAAATCCCTCCAGTTACACACACACACACACACACACACACACACACACACACA[C>CACACACACACACACACACACAA]AAACTTACCATTTCATCTTTTTCCCATTTATCTGTGTTGCTTTTGTCTTGATTTACTACA-3'